The following is an entry in ClinVar:

NM_002519.3(NPAT):c.3275C>G (p.Ala1092Gly)

Gene: NPAT (nuclear protein, coactivator of histone transcription; minus strand). Cytogenetic location: 11q22.3.
Variant type: single nucleotide variant.
Coding change: c.3275C>G on transcript NM_002519.3 (MANE Select); coding-DNA position 3275, C replaced by G.
Protein change: p.Ala1092Gly; replaces alanine 1092 with glycine.
Molecular consequence: missense variant.
Genome position (GRCh38, 1-based): chr11:108,161,811, G>C on the plus strand (C>G on the coding strand, the complement: NPAT is on the minus strand). VCF-style: chr11-108161811-G-C. GRCh37 (hg19) VCF-style: chr11-108032538-G-C.
Other names: c.3296C>G, p.Ala1099Gly (NM_001321307.1); short protein forms A1099G, A1092G.
Identifiers: ClinVar variation 3300730 (VCV003300730.1).
Genomic context (GRCh38, chr11:108,161,811, plus strand): 5'-TTAGAAGGGGGTTTTAAGGTGGAGGACACATTGGGTGAGTCAAGATTAGGAAAAGAGACT[G>C]CATTCCTTTCTTTGTTTTGGGACACCATCTTATGGTTTGGCCCCTGCGTATTTGCCACAG-3'
Protein context (NP_002510.2, residues 1082-1102): KMVSQNKERN[Ala1092Gly]VSFPNLDSPN

ClinVar aggregate classification (germline): Uncertain significance (1 of 4 stars; one submission).

Submission:

Ambry Genetics
Classification: Uncertain significance. Last evaluated: 2024-06-24. Review status: criteria provided, single submitter. Criteria: Ambry Variant Classification Scheme 2023. Collection method: clinical testing. Allele origin: germline.
Comment: The p.A1092G variant (also known as c.3275C>G), located in coding exon 17 of the NPAT gene, results from a C to G substitution at nucleotide position 3275. The alanine at codon 1092 is replaced by glycine, an amino acid with similar properties. This amino acid position is conserved. In addition, this alteration is predicted to be tolerated by in silico analysis. Based on the available evidence, the clinical significance of this variant remains unclear.